The following is an entry in ClinVar:

ClinVar aggregate classification (germline): Likely benign (1 of 4 stars; one submission).

Allele frequency attached by ClinVar (database versions not stated): ExAC 0.00014; 1000 Genomes Project 0.00020; 1000 Genomes Project 30x 0.00031; gnomAD 0.00045; ESP Exome Variant Server 0.00046; TOPMed 0.00048.
gnomAD v4.1: 116 of 1,613,940 alleles (0.0072%); highest among the groups gnomAD compares: African/African-American, 0.14%; 1 homozygote.

Submission:

CeGaT Center for Human Genetics Tuebingen
Classification: Likely benign. Last evaluated: 2023-04-01. Review status: criteria provided, single submitter. Criteria: CeGaT Center For Human Genetics Tuebingen Variant Classification Criteria Version 2. Collection method: clinical testing. Allele origin: germline. Affected: yes. Observed: 1 variant allele.
Comment: PSMD1: BP4, BP7

NM_002807.4(PSMD1):c.735A>G (p.Ala245=)

Gene: PSMD1 (proteasome 26S subunit, non-ATPase 1; plus strand). Cytogenetic location: 2q37.1.
Variant type: single nucleotide variant.
Coding change: c.735A>G on transcript NM_002807.4 (MANE Select); coding-DNA position 735, A replaced by G.
Protein change: p.Ala245=; no amino-acid change (alanine 245 retained).
Molecular consequence: synonymous variant. On other transcripts: non-coding transcript variant (1).
Genome position (GRCh38, 1-based): chr2:231,072,269, A>G. VCF-style: chr2-231072269-A-G. GRCh37 (hg19) VCF-style: chr2-231936983-A-G.
Other names: c.735A>G, p.Ala245= (NM_001191037.2).
Identifiers: ClinVar variation 2651995 (VCV002651995.24), dbSNP rs147551981, ClinGen allele CA2158930.